The following is an entry in ClinVar:

NM_000088.4(COL1A1):c.2119G>A (p.Gly707Ser)

Gene: COL1A1 (collagen type I alpha 1 chain; minus strand). Cytogenetic location: 17q21.33.
Variant type: single nucleotide variant.
Coding change: c.2119G>A on transcript NM_000088.4 (MANE Select); coding-DNA position 2119, G replaced by A.
Protein change: p.Gly707Ser; replaces glycine 707 with serine.
Molecular consequence: missense variant.
Genome position (GRCh38, 1-based): chr17:50,191,796, C>T on the plus strand (G>A on the coding strand, the complement: COL1A1 is on the minus strand). VCF-style: chr17-50191796-C-T. GRCh37 (hg19) VCF-style: chr17-48269157-C-T.
Other names: short protein forms G707S.
Identifiers: ClinVar variation 280649 (VCV000280649.4), dbSNP rs886041817, ClinGen allele CA10603454.

ClinVar aggregate classification (germline): Pathogenic (1 of 4 stars; one submission).

Submission:

GeneDx
Classification: Pathogenic. Last evaluated: 2025-01-23. Review status: criteria provided, single submitter. Criteria: GeneDx Variant Classification Process June 2021. Collection method: clinical testing. Allele origin: germline. Affected: yes.
Comment: Has not been previously published as pathogenic or benign to our knowledge; Not observed at significant frequency in large population cohorts (gnomAD); In silico analysis supports that this missense variant has a deleterious effect on protein structure/function; Occurs in the triple helical domain and replaces a glycine in a canonical Gly-X-Y repeat; missense substitution of a canonical glycine residue is expected to disrupt normal protein folding and function, and this is an established mechanism of disease (PMID: 34007986); This variant is associated with the following publications: (PMID: 34007986)